The following is an entry in ClinVar:

NM_002474.3(MYH11):c.2231A>C (p.Lys744Thr)

Gene: MYH11 (myosin heavy chain 11; minus strand). Cytogenetic location: 16p13.11.
Variant type: single nucleotide variant.
Coding change: c.2231A>C on transcript NM_002474.3 (MANE Select); coding-DNA position 2231, A replaced by C.
Protein change: p.Lys744Thr; replaces lysine 744 with threonine.
Molecular consequence: missense variant.
Genome position (GRCh38, 1-based): chr16:15,747,893, T>G on the plus strand (A>C on the coding strand, the complement: MYH11 is on the minus strand). VCF-style: chr16-15747893-T-G. GRCh37 (hg19) VCF-style: chr16-15841750-T-G.
Other names: c.2252A>C, p.Lys751Thr (NM_001040113.2, NM_001040114.2); c.2231A>C, p.Lys744Thr (NM_022844.3); short protein forms K744T, K751T.
Identifiers: ClinVar variation 4757446 (VCV004757446.1).

ClinVar aggregate classification (germline): Uncertain significance (1 of 4 stars; one submission).

Conditions:
Familial thoracic aortic aneurysm and aortic dissection (TAAD). Also called: Thoracic aortic aneurysms and dissections. Identifiers: Orphanet 91387, MedGen C4707243, MONDO:0019625.

gnomAD v4.1: 2 of 1,613,688 alleles (0.00012%); highest among the groups gnomAD compares: Non-Finnish European, 0.00017%; no homozygotes.

Submission:

Color Diagnostics, LLC DBA Color Health
Classification: Uncertain significance for Familial thoracic aortic aneurysm and aortic dissection. Last evaluated: 2025-07-03. Review status: criteria provided, single submitter. Criteria: ACMG Guidelines, 2015. Collection method: clinical testing. Allele origin: germline.
Comment: This missense variant replaces lysine with threonine at codon 751 of the MYH11 protein. Computational prediction suggests that this variant may have a deleterious impact on protein structure and function. To our knowledge, functional studies have not been reported for this variant. This variant has not been reported in individuals affected with MYH11-related disorders in the literature. This variant has not been identified in the general population by the Genome Aggregation Database (gnomAD). The available evidence is insufficient to determine the role of this variant in disease conclusively. Therefore, this variant is classified as a Variant of Uncertain Significance.